The following is an entry in ClinVar:

NM_004999.4(MYO6):c.*303A>G

Gene: MYO6 (myosin VI; plus strand). Cytogenetic location: 6q14.1.
Variant type: single nucleotide variant.
Coding change: c.*303A>G on transcript NM_004999.4 (MANE Select); 303 bases downstream of the stop codon, A replaced by G.
Molecular consequence: 3 prime UTR variant. On other transcripts: non-coding transcript variant (1).
Genome position (GRCh38, 1-based): chr6:75,915,315, A>G. VCF-style: chr6-75915315-A-G. GRCh37 (hg19) VCF-style: chr6-76625032-A-G.
Other names: c.*303A>G (NM_001300899.2, NM_001368136.1, NM_001368137.1 and 3 more transcripts).
Identifiers: ClinVar variation 909840 (VCV000909840.4), dbSNP rs146133231, ClinGen allele CA141061166.

ClinVar aggregate classification (germline): Conflicting classifications of pathogenicity. Review status: criteria provided, conflicting classifications (1 of 4 stars). 2 submissions from 1 submitter: Uncertain significance (1); Likely benign (1). Last evaluated 2018-01-13.

Conditions:
Autosomal recessive nonsyndromic hearing loss 37. Identifiers: Orphanet 90636, MedGen C1843028, MONDO:0011912, OMIM 607821.
Autosomal dominant nonsyndromic hearing loss 22. Also called: DFNA 22; Autosomal dominant nonsyndromic deafness 22. Identifiers: Orphanet 228012, MedGen C2931767, MONDO:0011660, OMIM 606346.

Allele frequency attached by ClinVar (database versions not stated): 1000 Genomes Project 0.00040; 1000 Genomes Project 30x 0.00078; TOPMed 0.00111; gnomAD 0.00123 and 0.00128; gnomAD exomes 0.00148.
gnomAD v4.1: 570 of 408,108 alleles (0.14%); highest among the groups gnomAD compares: Non-Finnish European, 0.21%; no homozygotes.

Submissions (2):

Illumina Laboratory Services, Illumina
Classification: Uncertain significance for Autosomal recessive nonsyndromic hearing loss 37. Last evaluated: 2018-01-13. Review status: criteria provided, single submitter. Criteria: ICSL Variant Classification Criteria 13 December 2019. Collection method: clinical testing. Allele origin: germline.

Illumina Laboratory Services, Illumina
Classification: Likely benign for Autosomal dominant nonsyndromic hearing loss 22. Last evaluated: 2018-01-13. Review status: criteria provided, single submitter. Criteria: ICSL Variant Classification Criteria 13 December 2019. Collection method: clinical testing. Allele origin: germline.
Comment: This variant was observed in the ICSL laboratory as part of a predisposition screen in an ostensibly healthy population. It had not been previously curated by ICSL or reported in the Human Gene Mutation Database (HGMD: prior to June 1st, 2018), and was therefore a candidate for classification through an automated scoring system. Utilizing variant allele frequency, disease prevalence and penetrance estimates, and inheritance mode, an automated score was calculated to assess if this variant is too frequent to cause the disease. Based on the score and internal cut-off values, a variant classified as likely benign is not then subjected to further curation. The score for this variant resulted in a classification of likely benign for this disease.